The following is an entry in ClinVar:

ClinVar aggregate classification (germline): Uncertain significance (1 of 4 stars; one submission).

Conditions:
COG4-congenital disorder of glycosylation. Also called: CONGENITAL DISORDER OF GLYCOSYLATION, TYPE IIj; CDG IIj; COG4-CDG. Identifiers: Orphanet 263501, MedGen C4303552, MONDO:0013281, OMIM 613489.

Allele frequency attached by ClinVar (database versions not stated): gnomAD exomes below 0.00001; TOPMed below 0.00001.
gnomAD v4.1: 4 of 1,613,970 alleles (0.00025%); highest among the groups gnomAD compares: Middle Eastern, 0.033%; no homozygotes.

Submission:

Labcorp Genetics (formerly Invitae), Labcorp
Classification: Uncertain significance for COG4-congenital disorder of glycosylation. Last evaluated: 2022-10-17. Review status: criteria provided, single submitter. Criteria: Invitae Variant Classification Sherloc (09022015). Collection method: clinical testing. Allele origin: germline.
Comment: This variant is present in population databases (no rsID available, gnomAD 0.003%). In summary, the available evidence is currently insufficient to determine the role of this variant in disease. Therefore, it has been classified as a Variant of Uncertain Significance. Advanced modeling of protein sequence and biophysical properties (such as structural, functional, and spatial information, amino acid conservation, physicochemical variation, residue mobility, and thermodynamic stability) performed at Invitae indicates that this missense variant is not expected to disrupt COG4 protein function. This variant has not been reported in the literature in individuals affected with COG4-related conditions. This sequence change replaces valine, which is neutral and non-polar, with alanine, which is neutral and non-polar, at codon 694 of the COG4 protein (p.Val694Ala).

NM_015386.3(COG4):c.2081T>C (p.Val694Ala)

Gene: COG4 (component of oligomeric golgi complex 4; minus strand). Cytogenetic location: 16q22.1.
Variant type: single nucleotide variant.
Coding change: c.2081T>C on transcript NM_015386.3 (MANE Select); coding-DNA position 2081, T replaced by C.
Protein change: p.Val694Ala; replaces valine 694 with alanine.
Molecular consequence: missense variant. On other transcripts: non-coding transcript variant (1).
Genome position (GRCh38, 1-based): chr16:70,481,789, A>G on the plus strand (T>C on the coding strand, the complement: COG4 is on the minus strand). VCF-style: chr16-70481789-A-G. GRCh37 (hg19) VCF-style: chr16-70515692-A-G.
Other names: c.2006T>C, p.Val669Ala (NM_001195139.2); c.1655T>C, p.Val552Ala (NM_001365426.1); short protein forms V694A, V552A, V669A.
Identifiers: ClinVar variation 2080674 (VCV002080674.4), dbSNP rs1275586097, ClinGen allele CA396578839.